The following is an entry in ClinVar:

ClinVar aggregate classification (germline): Uncertain significance (1 of 4 stars; one submission).

gnomAD v4.1: 2 of 1,598,986 alleles (0.00013%); highest among the groups gnomAD compares: Non-Finnish European, 0.000085%; no homozygotes.

Submission:

Women's Health and Genetics/Laboratory Corporation of America, LabCorp
Classification: Uncertain significance. Last evaluated: 2024-11-14. Review status: criteria provided, single submitter. Criteria: LabCorp Variant Classification Summary - May 2015. Collection method: clinical testing. Allele origin: germline.
Comment: Variant summary: TTN c.21616T>C (p.Ser7206Pro) results in a non-conservative amino acid change in the encoded protein sequence. Two of three in-silico tools predict a benign effect of the variant on protein function. The variant allele was found at a frequency of 8.4e-06 in 238724 control chromosomes. The available data on variant occurrences in the general population are insufficient to allow any conclusion about variant significance. To our knowledge, no occurrence of c.21616T>C in individuals affected with TTN-related conditions and no experimental evidence demonstrating its impact on protein function have been reported. No submitters have cited clinical-significance assessments for this variant to ClinVar. Based on the evidence outlined above, the variant was classified as uncertain significance.

NM_001267550.2(TTN):c.25348T>C (p.Ser8450Pro)

Gene: TTN (titin; minus strand). Cytogenetic location: 2q31.2.
Variant type: single nucleotide variant.
Coding change: c.25348T>C on transcript NM_001267550.2 (MANE Select); coding-DNA position 25348, T replaced by C.
Protein change: p.Ser8450Pro; replaces serine 8450 with proline.
Molecular consequence: missense variant. On other transcripts: intron variant (3).
Genome position (GRCh38, 1-based): chr2:178,717,526, A>G on the plus strand (T>C on the coding strand, the complement: TTN is on the minus strand). VCF-style: chr2-178717526-A-G. GRCh37 (hg19) VCF-style: chr2-179582253-A-G.
Other names: c.24397T>C, p.Ser8133Pro (NM_001256850.1); c.21616T>C, p.Ser7206Pro (NM_133378.4); c.13282+20556T>C (NM_003319.4); c.13858+20556T>C (NM_133437.4); c.13657+20556T>C (NM_133432.3); short protein forms S7206P, S8133P, S8450P.
Identifiers: ClinVar variation 3629639 (VCV003629639.1).